The following is an entry in ClinVar:

NM_002519.3(NPAT):c.49C>G (p.Gln17Glu)

Gene: NPAT (nuclear protein, coactivator of histone transcription; minus strand). Cytogenetic location: 11q22.3.
Variant type: single nucleotide variant.
Coding change: c.49C>G on transcript NM_002519.3 (MANE Select); coding-DNA position 49, C replaced by G.
Protein change: p.Gln17Glu; replaces glutamine 17 with glutamic acid.
Molecular consequence: missense variant.
Genome position (GRCh38, 1-based): chr11:108,197,409, G>C on the plus strand (C>G on the coding strand, the complement: NPAT is on the minus strand). VCF-style: chr11-108197409-G-C. GRCh37 (hg19) VCF-style: chr11-108068136-G-C.
Other names: c.49C>G, p.Gln17Glu (NM_001321307.1); short protein forms Q17E.
Identifiers: ClinVar variation 1744662 (VCV001744662.2), dbSNP rs2496760312, ClinGen allele CA382528792.

ClinVar aggregate classification (germline): Uncertain significance (1 of 4 stars; one submission).

Allele frequency attached by ClinVar (database versions not stated): gnomAD exomes below 0.00001.
gnomAD v4.1: 1 of 1,599,376 alleles (0.000063%); highest among the groups gnomAD compares: African/African-American, 0.0013%; no homozygotes.

Submission:

Ambry Genetics
Classification: Uncertain significance. Last evaluated: 2022-06-11. Review status: criteria provided, single submitter. Criteria: Ambry Variant Classification Scheme 2023. Collection method: clinical testing. Allele origin: germline.
Comment: The p.Q17E variant (also known as c.49C>G), located in coding exon 2 of the NPAT gene, results from a C to G substitution at nucleotide position 49. The glutamine at codon 17 is replaced by glutamic acid, an amino acid with highly similar properties. This amino acid position is conserved. In addition, this alteration is predicted to be tolerated by in silico analysis. Since supporting evidence is limited at this time, the clinical significance of this alteration remains unclear.